The following is an entry in ClinVar:

ClinVar aggregate classification (germline): Benign/Likely benign. Review status: criteria provided, multiple submitters, no conflicts (2 of 4 stars). 3 submissions from 3 submitters: Benign (1); Likely benign (2). Last evaluated 2026-03-01.

Allele frequency attached by ClinVar (database versions not stated): 1000 Genomes Project 0.00040; 1000 Genomes Project 30x 0.00047; ESP Exome Variant Server 0.00054; gnomAD 0.00064; TOPMed 0.00064.
gnomAD v4.1: 1,256 of 1,614,168 alleles (0.078%); highest among the groups gnomAD compares: Admixed American, 0.27%; 4 homozygotes.

Submissions (3):

CeGaT Center for Human Genetics Tuebingen
Classification: Likely benign. Last evaluated: 2026-03-01. Review status: criteria provided, single submitter. Criteria: CeGaT Center For Human Genetics Tuebingen Variant Classification Criteria Version 2. Collection method: clinical testing. Allele origin: germline. Affected: yes. Observed: 1 variant allele.
Comment: RNF216: BP4

Labcorp Genetics (formerly Invitae), Labcorp
Classification: Benign. Last evaluated: 2026-01-23. Review status: criteria provided, single submitter. Criteria: Invitae Variant Classification Sherloc (09022015). Collection method: clinical testing. Allele origin: germline.

Blueprint Genetics
Classification: Likely benign. Last evaluated: 2024-11-23. Review status: criteria provided, single submitter. Criteria: ACMG Guidelines, 2015. Collection method: clinical testing. Allele origin: germline.

NM_207111.4(RNF216):c.345C>T (p.Asn115=)

Gene: RNF216 (ring finger protein 216; minus strand). Cytogenetic location: 7p22.1.
Variant type: single nucleotide variant.
Coding change: c.345C>T on transcript NM_207111.4 (MANE Select); coding-DNA position 345, C replaced by T.
Protein change: p.Asn115=; no amino-acid change (asparagine 115 retained).
Molecular consequence: synonymous variant. On other transcripts: intron variant (1).
Genome position (GRCh38, 1-based): chr7:5,741,672, G>A on the plus strand (C>T on the coding strand, the complement: RNF216 is on the minus strand). VCF-style: chr7-5741672-G-A. GRCh37 (hg19) VCF-style: chr7-5781303-G-A.
Other names: c.202-28C>T (NM_207116.3).
Identifiers: ClinVar variation 718471 (VCV000718471.15), dbSNP rs144835147, ClinGen allele CA4148554.